The following is an entry in ClinVar:

NM_020693.4(DSCAML1):c.-134C>G

Gene: DSCAML1 (DS cell adhesion molecule like 1; minus strand). Cytogenetic location: 11q23.3.
Variant type: single nucleotide variant.
Coding change: c.-134C>G on transcript NM_020693.4 (MANE Select); 134 bases upstream of the start codon, C replaced by G.
Molecular consequence: 5 prime UTR variant. On other transcripts: intron variant (1).
Genome position (GRCh38, 1-based): chr11:117,797,213, G>C on the plus strand (C>G on the coding strand, the complement: DSCAML1 is on the minus strand). VCF-style: chr11-117797213-G-C. GRCh37 (hg19) VCF-style: chr11-117667928-G-C.
Other names: c.-134C>G (NM_001367904.1); c.-362-16403C>G (NM_001367905.1).
Identifiers: ClinVar variation 3706712 (VCV003706712.2).

ClinVar aggregate classification (germline): Uncertain significance (1 of 4 stars; one submission).

gnomAD v4.1: 11 of 1,493,804 alleles (0.00074%); highest among the groups gnomAD compares: Middle Eastern, 0.038%; no homozygotes.

Submission:

Labcorp Genetics (formerly Invitae), Labcorp
Classification: Uncertain significance. Last evaluated: 2025-08-12. Review status: criteria provided, single submitter. Criteria: Invitae Variant Classification Sherloc (09022015). Collection method: clinical testing. Allele origin: germline.
Comment: This sequence change replaces proline, which is neutral and non-polar, with arginine, which is basic and polar, at codon 16 of the DSCAML1 protein (p.Pro16Arg). This variant is not present in population databases (gnomAD no frequency). This variant has not been reported in the literature in individuals affected with DSCAML1-related conditions. ClinVar contains an entry for this variant (Variation ID: 3706712). Experimental studies and prediction algorithms are not available or were not evaluated, and the functional significance of this variant is currently unknown. In summary, the available evidence is currently insufficient to determine the role of this variant in disease. Therefore, it has been classified as a Variant of Uncertain Significance.